The following is an entry in ClinVar:

NM_013266.4(CTNNA3):c.232C>T (p.Gln78Ter)

Gene: CTNNA3 (catenin alpha 3; minus strand). Cytogenetic location: 10q21.3.
Variant type: single nucleotide variant.
Coding change: c.232C>T on transcript NM_013266.4 (MANE Select); coding-DNA position 232, C replaced by T.
Protein change: p.Gln78Ter; replaces glutamine 78 with a stop codon.
Molecular consequence: nonsense.
Genome position (GRCh38, 1-based): chr10:67,606,917, G>A on the plus strand (C>T on the coding strand, the complement: CTNNA3 is on the minus strand). VCF-style: chr10-67606917-G-A. GRCh37 (hg19) VCF-style: chr10-69366675-G-A.
Other names: c.232C>T, p.Gln78Ter (NM_001127384.3); c.268C>T, p.Gln90Ter (NM_001291133.2); short protein forms Q78*, Q90*.
Identifiers: ClinVar variation 222536 (VCV000222536.8), dbSNP rs201306690, ClinGen allele CA080804.

ClinVar aggregate classification (germline): Uncertain significance. Review status: criteria provided, multiple submitters, no conflicts (2 of 4 stars). 2 submissions from 2 submitters: Uncertain significance (2). Last evaluated 2022-11-01.

Conditions:
Arrhythmogenic right ventricular dysplasia 13. Also called: ARRHYTHMOGENIC RIGHT VENTRICULAR CARDIOMYOPATHY 13; Arrhythmogenic right ventricular dysplasia, familial, 13. Identifiers: MedGen C3810138, MONDO:0000908, OMIM 615616.

Allele frequency attached by ClinVar (database versions not stated): ExAC 0.00002; gnomAD exomes 0.00002 and 0.00003; gnomAD 0.00003; 1000 Genomes Project 30x 0.00016; 1000 Genomes Project 0.00020.
gnomAD v4.1: 29 of 1,614,076 alleles (0.0018%); highest among the groups gnomAD compares: East Asian, 0.0022%; no homozygotes.

Submissions (2):

Labcorp Genetics (formerly Invitae), Labcorp
Classification: Uncertain significance for Arrhythmogenic right ventricular dysplasia 13. Last evaluated: 2022-11-01. Review status: criteria provided, single submitter. Criteria: Invitae Variant Classification Sherloc (09022015). Collection method: clinical testing. Allele origin: germline.
Comment: This sequence change creates a premature translational stop signal (p.Gln78*) in the CTNNA3 gene. It is expected to result in an absent or disrupted protein product. However, the current clinical and genetic evidence is not sufficient to establish whether loss-of-function variants in CTNNA3 cause disease. This variant is present in population databases (rs201306690, gnomAD 0.02%). In summary, the available evidence is currently insufficient to determine the role of this variant in disease. Therefore, it has been classified as a Variant of Uncertain Significance. ClinVar contains an entry for this variant (Variation ID: 222536). This variant has not been reported in the literature in individuals affected with CTNNA3-related conditions.

Blueprint Genetics
Classification: Uncertain significance. Last evaluated: 2017-10-26. Review status: criteria provided, single submitter. Criteria: ACMG Guidelines, 2015. Collection method: clinical testing. Allele origin: germline.